The following is an entry in ClinVar:

NM_198253.3(TERT):c.590T>G (p.Leu197Arg)

Gene: TERT (telomerase reverse transcriptase; minus strand). Cytogenetic location: 5p15.33.
Variant type: single nucleotide variant.
Coding change: c.590T>G on transcript NM_198253.3 (MANE Select); coding-DNA position 590, T replaced by G.
Protein change: p.Leu197Arg; replaces leucine 197 with arginine.
Molecular consequence: missense variant. On other transcripts: non-coding transcript variant (2).
Genome position (GRCh38, 1-based): chr5:1,294,296, A>C on the plus strand (T>G on the coding strand, the complement: TERT is on the minus strand). VCF-style: chr5-1294296-A-C. GRCh37 (hg19) VCF-style: chr5-1294411-A-C.
Other names: c.590T>G, p.Leu197Arg (NM_001193376.3); short protein forms L197R.
Identifiers: ClinVar variation 1025786 (VCV001025786.9), dbSNP rs1751230105, ClinGen allele CA359057281.

ClinVar aggregate classification (germline): Uncertain significance (1 of 4 stars; one submission).

Conditions:
Idiopathic Pulmonary Fibrosis. Also called: Idiopathic fibrosing alveolitis, chronic form; idiopathic fibrosing alveolitis. Identifiers: Orphanet 2032, MedGen C1800706, MeSH D054990, MONDO:0800504.
Dyskeratosis congenita, autosomal dominant 2. Identifiers: MedGen C3151443, MONDO:0013521, OMIM 613989.

Submission:

Labcorp Genetics (formerly Invitae), Labcorp
Classification: Uncertain significance for Dyskeratosis congenita, autosomal dominant 2; Idiopathic Pulmonary Fibrosis. Last evaluated: 2020-06-16. Review status: criteria provided, single submitter. Criteria: Invitae Variant Classification Sherloc (09022015). Collection method: clinical testing. Allele origin: germline.
Comment: In summary, the available evidence is currently insufficient to determine the role of this variant in disease. Therefore, it has been classified as a Variant of Uncertain Significance. Algorithms developed to predict the effect of missense changes on protein structure and function output the following: SIFT: "Tolerated"; PolyPhen-2: "Benign"; Align-GVGD: "Class C0". The arginine amino acid residue is found in multiple mammalian species, suggesting that this missense change does not adversely affect protein function. These predictions have not been confirmed by published functional studies and their clinical significance is uncertain. This variant has not been reported in the literature in individuals with TERT-related conditions. This variant is not present in population databases (ExAC no frequency). This sequence change replaces leucine with arginine at codon 197 of the TERT protein (p.Leu197Arg). The leucine residue is weakly conserved and there is a moderate physicochemical difference between leucine and arginine.